The following is an entry in ClinVar:

NM_001036.6(RYR3):c.526G>A (p.Val176Met)

Gene: RYR3 (ryanodine receptor 3; plus strand). Cytogenetic location: 15q14.
Variant type: single nucleotide variant.
Coding change: c.526G>A on transcript NM_001036.6 (MANE Select); coding-DNA position 526, G replaced by A.
Protein change: p.Val176Met; replaces valine 176 with methionine.
Molecular consequence: missense variant.
Genome position (GRCh38, 1-based): chr15:33,539,442, G>A. VCF-style: chr15-33539442-G-A. GRCh37 (hg19) VCF-style: chr15-33831643-G-A.
Other names: c.526G>A, p.Val176Met (NM_001243996.4); short protein forms V176M.
Identifiers: ClinVar variation 658214 (VCV000658214.11), dbSNP rs377624442, ClinGen allele CA7457833.

ClinVar aggregate classification (germline): Uncertain significance (1 of 4 stars; one submission).

Conditions:
Epileptic encephalopathy. Identifiers: MedGen C0543888, HP:0200134.

Allele frequency attached by ClinVar (database versions not stated): gnomAD 0.00009 and 0.00011; gnomAD exomes 0.00013; TOPMed 0.00016; ExAC 0.00017; ESP Exome Variant Server 0.00025; 1000 Genomes Project 30x 0.00031.
gnomAD v4.1: 208 of 1,595,402 alleles (0.013%); highest among the groups gnomAD compares: Admixed American, 0.031%; no homozygotes.

Submission:

Labcorp Genetics (formerly Invitae), Labcorp
Classification: Uncertain significance for Epileptic encephalopathy. Last evaluated: 2020-07-29. Review status: criteria provided, single submitter. Criteria: Invitae Variant Classification Sherloc (09022015). Collection method: clinical testing. Allele origin: germline.
Comment: In summary, the available evidence is currently insufficient to determine the role of this variant in disease. Therefore, it has been classified as a Variant of Uncertain Significance. This sequence change replaces valine with methionine at codon 176 of the RYR3 protein (p.Val176Met). The valine residue is highly conserved and there is a small physicochemical difference between valine and methionine. This variant is present in population databases (rs377624442, ExAC 0.06%). This variant has not been reported in the literature in individuals with RYR3-related disease. Algorithms developed to predict the effect of missense changes on protein structure and function are either unavailable or do not agree on the potential impact of this missense change (SIFT: "Deleterious"; PolyPhen-2: "Possibly Damaging"; Align-GVGD: "Class C0").